The following is an entry in ClinVar:

NM_018958.3(NPAP1):c.3462A>G (p.Gln1154=)

Gene: NPAP1 (nuclear pore associated protein 1; plus strand). Cytogenetic location: 15q11.2.
Variant type: single nucleotide variant.
Coding change: c.3462A>G on transcript NM_018958.3 (MANE Select); coding-DNA position 3462, A replaced by G.
Protein change: p.Gln1154=; no amino-acid change (glutamine 1154 retained).
Molecular consequence: synonymous variant.
Genome position (GRCh38, 1-based): chr15:24,679,329, A>G. VCF-style: chr15-24679329-A-G. GRCh37 (hg19) VCF-style: chr15-24924476-A-G.
Identifiers: ClinVar variation 2645010 (VCV002645010.24), dbSNP rs541745950, ClinGen allele CA267728236.

ClinVar aggregate classification (germline): Likely benign (1 of 4 stars; one submission).

Allele frequency attached by ClinVar (database versions not stated): gnomAD 0.00001; gnomAD exomes 0.00001.

Submission:

CeGaT Center for Human Genetics Tuebingen
Classification: Likely benign. Last evaluated: 2022-06-01. Review status: criteria provided, single submitter. Criteria: CeGaT Center For Human Genetics Tuebingen Variant Classification Criteria Version 2. Collection method: clinical testing. Allele origin: germline. Affected: yes. Observed: 1 variant allele.
Comment: NPAP1: BP4, BP7